The following is an entry in ClinVar:

NM_032387.5(WNK4):c.2881C>T (p.Pro961Ser)

Gene: WNK4 (WNK lysine deficient protein kinase 4; plus strand). Cytogenetic location: 17q21.2.
Variant type: single nucleotide variant.
Coding change: c.2881C>T on transcript NM_032387.5 (MANE Select); coding-DNA position 2881, C replaced by T.
Protein change: p.Pro961Ser; replaces proline 961 with serine.
Molecular consequence: missense variant.
Genome position (GRCh38, 1-based): chr17:42,795,302, C>T. VCF-style: chr17-42795302-C-T. GRCh37 (hg19) VCF-style: chr17-40947320-C-T.
Other names: c.1873C>T, p.Pro625Ser (NM_001321299.2); short protein forms P961S, P625S.
Identifiers: ClinVar variation 323347 (VCV000323347.16), dbSNP rs2290041, ClinGen allele CA8584458.

ClinVar aggregate classification (germline): Benign. Review status: criteria provided, multiple submitters, no conflicts (2 of 4 stars). 6 submissions from 6 submitters: Benign (6). Last evaluated 2026-02-03.

Conditions:
Pseudohypoaldosteronism type 2B (PHA2B). Also called: Pseudohypoaldosteronism Type IIB. Identifiers: Orphanet 757, Orphanet 88939, MedGen C1840390, MONDO:0013777, OMIM 614491.

Allele frequency attached by ClinVar (database versions not stated): gnomAD exomes 0.01495 and 0.03601; ExAC 0.04071; gnomAD 0.07415 and 0.07525; ESP Exome Variant Server 0.07796; TOPMed 0.07977; 1000 Genomes Project 0.10284; 1000 Genomes Project 30x 0.10572.
gnomAD v4.1: 33,914 of 1,613,788 alleles (2.1%); highest among the groups gnomAD compares: African/African-American, 23%; 2,880 homozygotes.

Submissions (6):

Labcorp Genetics (formerly Invitae), Labcorp
Classification: Benign. Last evaluated: 2026-02-03. Review status: criteria provided, single submitter. Criteria: Invitae Variant Classification Sherloc (09022015). Collection method: clinical testing. Allele origin: germline.

Blueprint Genetics
Classification: Benign. Last evaluated: 2024-11-27. Review status: criteria provided, single submitter. Criteria: ACMG Guidelines, 2015. Collection method: clinical testing. Allele origin: germline.

Mayo Clinic Laboratories, Mayo Clinic
Classification: Benign. Last evaluated: 2022-03-09. Review status: criteria provided, single submitter. Criteria: ACMG Guidelines, 2015. Collection method: clinical testing. Allele origin: germline. Observed: 13 variant alleles.

GeneDx
Classification: Benign. Last evaluated: 2021-05-05. Review status: criteria provided, single submitter. Criteria: GeneDx Variant Classification (06012015). Collection method: clinical testing. Allele origin: germline. Affected: yes.

Illumina Laboratory Services, Illumina
Classification: Benign for Pseudohypoaldosteronism type 2B. Last evaluated: 2018-01-13. Review status: criteria provided, single submitter. Criteria: ICSL Variant Classification Criteria 13 December 2019. Collection method: clinical testing. Allele origin: germline.
Comment: This variant was observed in the ICSL laboratory as part of a predisposition screen in an ostensibly healthy population. It had not been previously curated by ICSL or reported in the Human Gene Mutation Database (HGMD: prior to June 1st, 2018), and was therefore a candidate for classification through an automated scoring system. Utilizing variant allele frequency, disease prevalence and penetrance estimates, and inheritance mode, an automated score was calculated to assess if this variant is too frequent to cause the disease. Based on the score and internal cut-off values, a variant classified as benign is not then subjected to further curation. The score for this variant resulted in a classification of benign for this disease.

Breakthrough Genomics
Classification: Benign. Review status: criteria provided, single submitter. Criteria: ACMG Guidelines, 2015. Collection method: not provided. Allele origin: germline. Inheritance: Autosomal dominant inheritance. Affected: yes.